The following is an entry in ClinVar:

NM_001378964.1(CDON):c.3664A>G (p.Asn1222Asp)

Gene: CDON (cell adhesion associated, oncogene regulated; minus strand). Cytogenetic location: 11q24.2.
Variant type: single nucleotide variant.
Coding change: c.3664A>G on transcript NM_001378964.1 (MANE Select); coding-DNA position 3664, A replaced by G.
Protein change: p.Asn1222Asp; replaces asparagine 1222 with aspartic acid.
Molecular consequence: missense variant.
Genome position (GRCh38, 1-based): chr11:125,961,073, T>C on the plus strand (A>G on the coding strand, the complement: CDON is on the minus strand). VCF-style: chr11-125961073-T-C. GRCh37 (hg19) VCF-style: chr11-125830968-T-C.
Other names: c.3733A>G, p.Asn1245Asp (NM_001243597.3); c.3664A>G, p.Asn1222Asp (NM_016952.6); short protein forms N1245D, N1222D.
Identifiers: ClinVar variation 3489708 (VCV003489708.2).

ClinVar aggregate classification (germline): Uncertain significance. Review status: criteria provided, multiple submitters, no conflicts (2 of 4 stars). 2 submissions from 2 submitters: Uncertain significance (2). Last evaluated 2025-01-03.

Conditions:
Inborn genetic diseases. Identifiers: MedGen C0950123, MeSH D030342.

gnomAD v4.1: 100 of 1,614,008 alleles (0.0062%); highest among the groups gnomAD compares: Non-Finnish European, 0.0077%; no homozygotes.

Submissions (2):

GeneDx
Classification: Uncertain significance. Last evaluated: 2025-01-03. Review status: criteria provided, single submitter. Criteria: GeneDx Variant Classification Process June 2021. Collection method: clinical testing. Allele origin: germline. Affected: yes.
Comment: In silico analysis indicates that this missense variant does not alter protein structure/function; Has not been previously published as pathogenic or benign to our knowledge

Ambry Genetics
Classification: Uncertain significance for Inborn genetic diseases. Last evaluated: 2024-07-16. Review status: criteria provided, single submitter. Criteria: Ambry Variant Classification Scheme 2023. Collection method: clinical testing. Allele origin: germline.